The following is an entry in ClinVar:

NM_001270974.2(HYDIN):c.2472C>G (p.Ser824=)

Gene: HYDIN (HYDIN axonemal central pair apparatus protein; minus strand). Cytogenetic location: 16q22.2.
Variant type: single nucleotide variant.
Coding change: c.2472C>G on transcript NM_001270974.2 (MANE Select); coding-DNA position 2472, C replaced by G.
Protein change: p.Ser824=; no amino-acid change (serine 824 retained).
Molecular consequence: synonymous variant.
Genome position (GRCh38, 1-based): chr16:71,060,561, G>C on the plus strand (C>G on the coding strand, the complement: HYDIN is on the minus strand). VCF-style: chr16-71060561-G-C. GRCh37 (hg19) VCF-style: chr16-71094464-G-C.
Other names: c.2553C>G, p.Ser851= (NM_001198542.1); c.2523C>G, p.Ser841= (NM_001198543.1); c.2472C>G, p.Ser824= (NM_017558.5).
Identifiers: ClinVar variation 2646785 (VCV002646785.24), dbSNP rs747155298, ClinGen allele CA8151059.

ClinVar aggregate classification (germline): Likely benign (1 of 4 stars; one submission).

Submission:

CeGaT Center for Human Genetics Tuebingen
Classification: Likely benign. Last evaluated: 2023-01-01. Review status: criteria provided, single submitter. Criteria: CeGaT Center For Human Genetics Tuebingen Variant Classification Criteria Version 2. Collection method: clinical testing. Allele origin: germline. Affected: yes. Observed: 1 variant allele.
Comment: HYDIN: BP4, BP7